The following is an entry in ClinVar:

NM_001286715.1(AGTPBP1):c.2892del (p.Tyr964Terfs)

Gene: AGTPBP1 (ATP/GTP binding carboxypeptidase 1; minus strand). Cytogenetic location: 9q21.33.
Variant type: Deletion.
Coding change: c.2892del on transcript NM_001286715.1; coding-DNA position 2892, one base deleted (C; older notation c.2892delC).
Protein change: p.Tyr964Terfs; shifts the reading frame from tyrosine 964.
Molecular consequence: nonsense.
Genome position (GRCh38, 1-based): chr9:85,588,465, G deleted on the plus strand (C on the coding strand, the reverse complement: AGTPBP1 is on the minus strand). VCF-style (leftmost placement, unchanged base first): chr9-85588464-CG-C. GRCh37 (hg19) VCF-style: chr9-88203379-CG-C.
Other names: c.2772del, p.Pro923_Tyr924insTer (NM_001286717.1); c.2736del, p.Pro911_Tyr912insTer (NM_001330701.2); c.2616del, p.Pro871_Tyr872insTer (NM_015239.3); c.2892delC (NM_001286715.1).
Identifiers: ClinVar variation 522817 (VCV000522817.4), dbSNP rs780631499, ClinGen allele CA5106234.

ClinVar aggregate classification (germline): Pathogenic. Review status: criteria provided, single submitter (1 of 4 stars). 2 submissions from 2 submitters: Pathogenic (1). 1 of the submissions does not count toward it. Last evaluated 2017-01-05.

Conditions:
Neurodegeneration, childhood-onset, with cerebellar atrophy. Identifiers: MedGen C4748934, MONDO:0032650, OMIM 618276.
AGTPBP1-related disorder. Also called: AGTPBP1-related condition.

Allele frequency attached by ClinVar (database versions not stated): gnomAD exomes below 0.00001; ExAC 0.00001; gnomAD 0.00001; TOPMed 0.00001.

Submissions (2):

Undiagnosed Diseases Network, NIH
Classification: Pathogenic for AGTPBP1-related condition. Last evaluated: 2017-01-05. Review status: criteria provided, single submitter. Criteria: ACMG Guidelines, 2015. Collection method: research. Allele origin: maternal. Inheritance: Autosomal recessive inheritance. Affected: yes. Observed: 1 variant allele, 1 compound heterozygote. Study: Undiagnosed Diseases Network (NIH), UDN.

OMIM
Classification: Pathogenic for NEURODEGENERATION, CHILDHOOD-ONSET, WITH CEREBELLAR ATROPHY. Last evaluated: 2019-01-11. Review status: no assertion criteria provided. Collection method: literature only. Allele origin: germline. Not counted in ClinVar's aggregate classification.

Literature cited by the submitters: PubMed 30420557 (cited by OMIM).